The following is an entry in ClinVar:

ClinVar aggregate classification (germline): Uncertain significance (1 of 4 stars; one submission).

Conditions:
EGFR-related lung cancer (EGFR). Identifiers: MedGen CN130014.

Submission:

Labcorp Genetics (formerly Invitae), Labcorp
Classification: Uncertain significance for EGFR-related lung cancer. Last evaluated: 2023-08-22. Review status: criteria provided, single submitter. Criteria: Invitae Variant Classification Sherloc (09022015). Collection method: clinical testing. Allele origin: germline.
Comment: This sequence change replaces threonine, which is neutral and polar, with alanine, which is neutral and non-polar, at codon 446 of the EGFR protein (p.Thr446Ala). This variant is not present in population databases (gnomAD no frequency). This variant has not been reported in the literature in individuals affected with EGFR-related conditions. Advanced modeling of protein sequence and biophysical properties (such as structural, functional, and spatial information, amino acid conservation, physicochemical variation, residue mobility, and thermodynamic stability) has been performed at Invitae for this missense variant, however the output from this modeling did not meet the statistical confidence thresholds required to predict the impact of this variant on EGFR protein function. In summary, the available evidence is currently insufficient to determine the role of this variant in disease. Therefore, it has been classified as a Variant of Uncertain Significance.

NM_005228.5(EGFR):c.1336A>G (p.Thr446Ala)

Gene: EGFR (epidermal growth factor receptor; plus strand). Cytogenetic location: 7p11.2.
Variant type: single nucleotide variant.
Coding change: c.1336A>G on transcript NM_005228.5 (MANE Select); coding-DNA position 1336, A replaced by G.
Protein change: p.Thr446Ala; replaces threonine 446 with alanine.
Molecular consequence: missense variant.
Genome position (GRCh38, 1-based): chr7:55,160,176, A>G. VCF-style: chr7-55160176-A-G. GRCh37 (hg19) VCF-style: chr7-55227869-A-G.
Other names: c.1201A>G, p.Thr401Ala (NM_001346897.2, NM_001346899.2); c.1336A>G, p.Thr446Ala (NM_001346898.2, NM_201282.2, NM_201284.2); c.1177A>G, p.Thr393Ala (NM_001346900.2); c.535A>G, p.Thr179Ala (NM_001346941.2); short protein forms T401A, T446A, T179A, T393A.
Identifiers: ClinVar variation 2754313 (VCV002754313.3), dbSNP rs2128941370, ClinGen allele CA367579385.
Genomic context (GRCh38, chr7:55,160,176, plus strand): 5'-GATTTTTCTTCTCTCCAATGTAGTGGTCAGTTTTCTCTTGCAGTCGTCAGCCTGAACATA[A>G]CATCCTTGGGATTACGCTCCCTCAAGGAGATAAGTGATGGAGATGTGATAATTTCAGGAA-3'
Protein context (NP_005219.2, residues 436-456): FSLAVVSLNI[Thr446Ala]SLGLRSLKEI